The following is an entry in ClinVar:

NM_004947.5(DOCK3):c.1805_1806del (p.Lys602fs)

Gene: DOCK3 (dedicator of cytokinesis 3; plus strand). Cytogenetic location: 3p21.2.
Variant type: Deletion.
Coding change: c.1805_1806del on transcript NM_004947.5 (MANE Select); coding-DNA positions 1805 to 1806, 2 bases deleted (AA; older notation c.1805_1806delAA).
Protein change: p.Lys602fs; shifts the reading frame from lysine 602.
Molecular consequence: frameshift variant.
Genome position (GRCh38, 1-based): chr3:51,228,818-51,228,819, AA deleted; deleting any 2 consecutive bases within chr3:51,228,817-51,228,819 gives the same sequence; the c. name uses the placement nearest the transcript's 3' end. VCF-style (leftmost placement, unchanged base first): chr3-51228816-CAA-C. GRCh37 (hg19) VCF-style: chr3-51266247-CAA-C.
Other names: short protein forms K602fs.
Identifiers: ClinVar variation 4529747 (VCV004529747.2).

ClinVar aggregate classification (germline): Pathogenic (1 of 4 stars; one submission).

Submission:

GeneDx
Classification: Pathogenic. Last evaluated: 2025-12-09. Review status: criteria provided, single submitter. Criteria: GeneDx Variant Classification Process June 2021. Collection method: clinical testing. Allele origin: germline.
Comment: Frameshift variant predicted to result in protein truncation or nonsense mediated decay in a gene for which loss of function is a known mechanism of disease; Not observed at significant frequency in large population cohorts (gnomAD); Has not been previously published as pathogenic or benign to our knowledge